The following is an entry in ClinVar:

ClinVar aggregate classification (germline): Uncertain significance. Review status: criteria provided, multiple submitters, no conflicts (2 of 4 stars). 2 submissions from 2 submitters: Uncertain significance (2). Last evaluated 2025-04-20.

gnomAD v4.1: 105 of 1,612,884 alleles (0.0065%); highest among the groups gnomAD compares: Middle Eastern, 0.033%; no homozygotes.

Submissions (2):

Ambry Genetics
Classification: Uncertain significance. Last evaluated: 2025-04-20. Review status: criteria provided, single submitter. Criteria: Ambry Variant Classification Scheme 2023. Collection method: clinical testing. Allele origin: germline.

CeGaT Center for Human Genetics Tuebingen
Classification: Uncertain significance. Last evaluated: 2024-10-01. Review status: criteria provided, single submitter. Criteria: CeGaT Center For Human Genetics Tuebingen Variant Classification Criteria Version 2. Collection method: clinical testing. Allele origin: germline. Affected: yes. Observed: 1 variant allele.
Comment: QRICH2: PM2

NM_001388453.1(QRICH2):c.4786C>T (p.Arg1596Trp)

Gene: QRICH2 (glutamine rich 2; minus strand). Cytogenetic location: 17q25.1.
Variant type: single nucleotide variant.
Coding change: c.4786C>T on transcript NM_001388453.1 (MANE Select); coding-DNA position 4786, C replaced by T.
Protein change: p.Arg1596Trp; replaces arginine 1596 with tryptophan.
Molecular consequence: missense variant. On other transcripts: non-coding transcript variant (1).
Genome position (GRCh38, 1-based): chr17:76,279,391, G>A on the plus strand (C>T on the coding strand, the complement: QRICH2 is on the minus strand). VCF-style: chr17-76279391-G-A. GRCh37 (hg19) VCF-style: chr17-74275472-G-A.
Other names: c.4786C>T, p.Arg1596Trp (NM_032134.3); c.4288C>T (NM_032134.1); short protein forms R1596W.
Identifiers: ClinVar variation 3388819 (VCV003388819.14).